The following is an entry in ClinVar:

ClinVar aggregate classification (germline): Uncertain significance (1 of 4 stars; one submission).

Allele frequency attached by ClinVar (database versions not stated): ExAC 0.00001; gnomAD 0.00001; TOPMed 0.00002.
gnomAD v4.1: 32 of 1,612,664 alleles (0.002%); highest among the groups gnomAD compares: South Asian, 0.0099%; no homozygotes.

Submission:

Labcorp Genetics (formerly Invitae), Labcorp
Classification: Uncertain significance. Last evaluated: 2022-02-18. Review status: criteria provided, single submitter. Criteria: Invitae Variant Classification Sherloc (09022015). Collection method: clinical testing. Allele origin: germline.
Comment: This sequence change replaces alanine, which is neutral and non-polar, with valine, which is neutral and non-polar, at codon 377 of the FCHO1 protein (p.Ala377Val). The frequency data for this variant in the population databases is considered unreliable, as metrics indicate poor data quality at this position in the gnomAD database. This variant has not been reported in the literature in individuals affected with FCHO1-related conditions. Algorithms developed to predict the effect of missense changes on protein structure and function output the following: SIFT: "Tolerated"; PolyPhen-2: "Benign"; Align-GVGD: "Class C0". The valine amino acid residue is found in multiple mammalian species, which suggests that this missense change does not adversely affect protein function. In summary, the available evidence is currently insufficient to determine the role of this variant in disease. Therefore, it has been classified as a Variant of Uncertain Significance.

NM_015122.3(FCHO1):c.1130C>T (p.Ala377Val)

Gene: FCHO1 (FCH and mu domain containing endocytic adaptor 1; plus strand). Cytogenetic location: 19p13.11.
Variant type: single nucleotide variant.
Coding change: c.1130C>T on transcript NM_015122.3 (MANE Select); coding-DNA position 1130, C replaced by T.
Protein change: p.Ala377Val; replaces alanine 377 with valine.
Molecular consequence: missense variant. On other transcripts: non-coding transcript variant (36).
Genome position (GRCh38, 1-based): chr19:17,776,109, C>T. VCF-style: chr19-17776109-C-T. GRCh37 (hg19) VCF-style: chr19-17886918-C-T.
Other names: c.1130C>T, p.Ala377Val (NM_001161357.2, NM_001161358.2, NM_001384370.1 and 25 more transcripts); c.980C>T, p.Ala327Val (NM_001161359.2, NM_001384384.1, NM_001384385.1 and 3 more transcripts); c.1091C>T, p.Ala364Val (NM_001384388.1, NM_001384389.1, NM_001384405.1); c.1055C>T, p.Ala352Val (NM_001384390.1); c.1085C>T, p.Ala362Val (NM_001384403.1); short protein forms A327V, A377V, A362V, A364V, A352V.
Identifiers: ClinVar variation 1909952 (VCV001909952.2), dbSNP rs777216050, ClinGen allele CA9300400.